The following is an entry in ClinVar:

NM_000133.4(F9):c.949G>A (p.Ala317Thr)

Gene: F9 (coagulation factor IX; plus strand). Cytogenetic location: Xq27.1.
Variant type: single nucleotide variant.
Coding change: c.949G>A on transcript NM_000133.4 (MANE Select); coding-DNA position 949, G replaced by A.
Protein change: p.Ala317Thr; replaces alanine 317 with threonine.
Molecular consequence: missense variant.
Genome position (GRCh38, 1-based): chrX:139,561,634, G>A. VCF-style: chrX-139561634-G-A. GRCh37 (hg19) VCF-style: chrX-138643793-G-A.
Other names: c.835G>A, p.Ala279Thr (NM_001313913.2); short protein forms A317T, A279T.
Identifiers: ClinVar variation 2925696 (VCV002925696.3), dbSNP rs2520844030, ClinGen allele CA414444904.

ClinVar aggregate classification (germline): Uncertain significance (1 of 4 stars; one submission).

Conditions:
Thrombophilia, X-linked, due to factor 9 defect. Identifiers: MedGen C2749016, MONDO:0010432, OMIM 300807.
Hereditary factor IX deficiency disease (HEMB). Also called: F9 DEFICIENCY; FACTOR IX DEFICIENCY; PLASMA THROMBOPLASTIN COMPONENT DEFICIENCY; Hemophilia B; Christmas Disease. Identifiers: Orphanet 98879, MedGen C0008533, MeSH D002836, MONDO:0010604, OMIM 306900.

Submission:

Labcorp Genetics (formerly Invitae), Labcorp
Classification: Uncertain significance for Thrombophilia, X-linked, due to factor 9 defect; Hereditary factor IX deficiency disease. Last evaluated: 2023-05-20. Review status: criteria provided, single submitter. Criteria: Invitae Variant Classification Sherloc (09022015). Collection method: clinical testing. Allele origin: germline.
Comment: This sequence change replaces alanine, which is neutral and non-polar, with threonine, which is neutral and polar, at codon 317 of the F9 protein (p.Ala317Thr). In summary, the available evidence is currently insufficient to determine the role of this variant in disease. Therefore, it has been classified as a Variant of Uncertain Significance. This variant disrupts the p.Ala317 amino acid residue in F9. Other variant(s) that disrupt this residue have been observed in individuals with F9-related conditions (PMID: 19699296, 21118338, 27529981), which suggests that this may be a clinically significant amino acid residue. Advanced modeling of protein sequence and biophysical properties (such as structural, functional, and spatial information, amino acid conservation, physicochemical variation, residue mobility, and thermodynamic stability) has been performed at Invitae for this missense variant, however the output from this modeling did not meet the statistical confidence thresholds required to predict the impact of this variant on F9 protein function. This missense change has been observed in individual(s) with hemophilia B (PMID: 21118338). This variant is not present in population databases (gnomAD no frequency).

Literature cited by the submitters: PubMed 19699296; PubMed 21118338; PubMed 27529981.